The following is an entry in ClinVar:

NM_005560.6(LAMA5):c.320C>T (p.Thr107Met)

Gene: LAMA5 (laminin subunit alpha 5; minus strand). Cytogenetic location: 20q13.33.
Variant type: single nucleotide variant.
Coding change: c.320C>T on transcript NM_005560.6 (MANE Select); coding-DNA position 320, C replaced by T.
Protein change: p.Thr107Met; replaces threonine 107 with methionine.
Molecular consequence: missense variant.
Genome position (GRCh38, 1-based): chr20:62,362,530, G>A on the plus strand (C>T on the coding strand, the complement: LAMA5 is on the minus strand). VCF-style: chr20-62362530-G-A. GRCh37 (hg19) VCF-style: chr20-60937586-G-A.
Other names: c.320C>T (NM_005560.3); short protein forms T107M.
Identifiers: ClinVar variation 1932198 (VCV001932198.5), dbSNP rs371822417, ClinGen allele CA9944497.
Genomic context (GRCh38, chr20:62,362,530, plus strand): 5'-CAGCGCTCCGTGCCATCGATGGCATTGCTCGCGGGGTGTGCCTTGTTGCTGTTGGCAGCC[G>A]TGCAGATGTCACAGTACTGGCCCTGCAGAGGGAACGGGAGGGTCAGATAGCCGAGAAGGG-3'
Protein context (NP_005551.3, residues 97-117): TIRGQYCDIC[Thr107Met]AANSNKAHPA

ClinVar aggregate classification (germline): Uncertain significance. Review status: criteria provided, multiple submitters, no conflicts (2 of 4 stars). 2 submissions from 2 submitters: Uncertain significance (2). Last evaluated 2024-09-02.

Conditions:
Inborn genetic diseases. Identifiers: MedGen C0950123, MeSH D030342.

Allele frequency attached by ClinVar (database versions not stated): gnomAD 0.00002; gnomAD exomes 0.00002; ExAC 0.00003; TOPMed 0.00003; ESP Exome Variant Server 0.00008.
gnomAD v4.1: 35 of 1,597,204 alleles (0.0022%); highest among the groups gnomAD compares: Middle Eastern, 0.017%; no homozygotes.

Submissions (2):

Ambry Genetics
Classification: Uncertain significance for Inborn genetic diseases. Last evaluated: 2024-09-02. Review status: criteria provided, single submitter. Criteria: Ambry Variant Classification Scheme 2023. Collection method: clinical testing. Allele origin: germline.

Labcorp Genetics (formerly Invitae), Labcorp
Classification: Uncertain significance. Last evaluated: 2022-03-04. Review status: criteria provided, single submitter. Criteria: Invitae Variant Classification Sherloc (09022015). Collection method: clinical testing. Allele origin: germline.
Comment: In summary, the available evidence is currently insufficient to determine the role of this variant in disease. Therefore, it has been classified as a Variant of Uncertain Significance. This sequence change replaces threonine, which is neutral and polar, with methionine, which is neutral and non-polar, at codon 107 of the LAMA5 protein (p.Thr107Met). The frequency data for this variant in the population databases is considered unreliable, as metrics indicate poor data quality at this position in the gnomAD database. This variant has not been reported in the literature in individuals affected with LAMA5-related conditions. Algorithms developed to predict the effect of missense changes on protein structure and function are either unavailable or do not agree on the potential impact of this missense change (SIFT: "Tolerated"; PolyPhen-2: "Possibly Damaging"; Align-GVGD: "Class C0").